The following is an entry in ClinVar:

NM_000135.4(FANCA):c.3421G>T (p.Ala1141Ser)

Gene: FANCA (FA complementation group A; minus strand). Cytogenetic location: 16q24.3.
Variant type: single nucleotide variant.
Coding change: c.3421G>T on transcript NM_000135.4 (MANE Select); coding-DNA position 3421, G replaced by T.
Protein change: p.Ala1141Ser; replaces alanine 1141 with serine.
Molecular consequence: missense variant.
Genome position (GRCh38, 1-based): chr16:89,746,676, C>A on the plus strand (G>T on the coding strand, the complement: FANCA is on the minus strand). VCF-style: chr16-89746676-C-A. GRCh37 (hg19) VCF-style: chr16-89813084-C-A.
Other names: c.3421G>T (NM_000135.2); c.3421G>T, p.Ala1141Ser (NM_001286167.3); short protein forms A1141S.
Identifiers: ClinVar variation 1056270 (VCV001056270.7), dbSNP rs547984666, ClinGen allele CA397486000.
Genomic context (GRCh38, chr16:89,746,676, plus strand): 5'-TCTGGCACTTGGCCAGTATGAAGTCGACCATCAGGGAGGGGTCTCTGCTCCGCAGACAGG[C>A]GTTCAGGAGGCCCTGCAGGAGAGAACGCAGCAGGAGGTCAGCGGTTTGTGAGGACCCACA-3'
Protein context (NP_000126.2, residues 1131-1151): TAHFFRGLLN[Ala1141Ser]CLRSRDPSLM

ClinVar aggregate classification (germline): Uncertain significance. Review status: criteria provided, multiple submitters, no conflicts (2 of 4 stars). 4 submissions from 4 submitters: Uncertain significance (3). 1 of the submissions does not count toward it. Last evaluated 2024-12-03.

Conditions:
Fanconi anemia (FA). Also called: Fanconi's anemia. Identifiers: Orphanet 84, MedGen C0015625, MeSH D005199, MONDO:0019391.
Inborn genetic diseases. Identifiers: MedGen C0950123, MeSH D030342.

gnomAD v4.1: 1 of 1,614,094 alleles (0.000062%); highest among the groups gnomAD compares: Non-Finnish European, 0.000085%; no homozygotes.

Submissions (4):

Ambry Genetics
Classification: Uncertain significance for Inborn genetic diseases. Last evaluated: 2024-12-03. Review status: criteria provided, single submitter. Criteria: Ambry Variant Classification Scheme 2023. Collection method: clinical testing. Allele origin: germline.
Comment: The p.A1141S variant (also known as c.3421G>T), located in coding exon 35 of the FANCA gene, results from a G to T substitution at nucleotide position 3421. The alanine at codon 1141 is replaced by serine, an amino acid with similar properties. This amino acid position is conserved. In addition, this alteration is predicted to be tolerated by in silico analysis. Based on the available evidence, the clinical significance of this variant remains unclear.

Blueprint Genetics
Classification: Uncertain significance. Last evaluated: 2023-03-20. Review status: criteria provided, single submitter. Criteria: ACMG Guidelines, 2015. Collection method: clinical testing. Allele origin: germline.

Labcorp Genetics (formerly Invitae), Labcorp
Classification: Uncertain significance for Fanconi anemia. Last evaluated: 2022-07-27. Review status: criteria provided, single submitter. Criteria: Invitae Variant Classification Sherloc (09022015). Collection method: clinical testing. Allele origin: germline.
Comment: This sequence change replaces alanine, which is neutral and non-polar, with serine, which is neutral and polar, at codon 1141 of the FANCA protein (p.Ala1141Ser). This variant is not present in population databases (gnomAD no frequency). This variant has not been reported in the literature in individuals affected with FANCA-related conditions. ClinVar contains an entry for this variant (Variation ID: 1056270). Advanced modeling of protein sequence and biophysical properties (such as structural, functional, and spatial information, amino acid conservation, physicochemical variation, residue mobility, and thermodynamic stability) performed at Invitae indicates that this missense variant is not expected to disrupt FANCA protein function. In summary, the available evidence is currently insufficient to determine the role of this variant in disease. Therefore, it has been classified as a Variant of Uncertain Significance.

Natera, Inc.
Classification: Uncertain significance for Fanconi anemia. Last evaluated: 2020-09-18. Review status: no assertion criteria provided. Collection method: clinical testing. Allele origin: germline. Not counted in ClinVar's aggregate classification.